The following is an entry in ClinVar:

NC_000021.8:g.(?_38132018)_(38362704_?)del

Gene: HLCS (holocarboxylase synthetase; minus strand). Cytogenetic location: 21q22.13.
Variant type: Deletion.
Identifiers: ClinVar variation 1457493 (VCV001457493.4).

ClinVar aggregate classification (germline): Pathogenic (1 of 4 stars; one submission).

Conditions:
Holocarboxylase synthetase deficiency. Also called: MULTIPLE CARBOXYLASE DEFICIENCY, EARLY ONSET. Identifiers: Orphanet 79242, MedGen C0268581, MONDO:0009666, OMIM 253270.

Submission:

Labcorp Genetics (formerly Invitae), Labcorp
Classification: Pathogenic for Holocarboxylase synthetase deficiency. Last evaluated: 2021-04-04. Review status: criteria provided, single submitter. Criteria: Invitae Variant Classification Sherloc (09022015). Collection method: clinical testing. Allele origin: germline.
Comment: For these reasons, this variant has been classified as Pathogenic. This variant has not been reported in the literature in individuals with HLCS-related conditions. This variant is a gross deletion of the genomic region encompassing exon(s) 1-10 of the HLCS gene, which includes the initiator codon. The 5' end of this event is unknown as it extends beyond the assayed region for this gene and therefore may encompass additional genes. The 3' boundary is likely confined to intron 10 of the HLCS gene. It is expected to result in an absent or disrupted protein product. Loss-of-function variants in HLCS are known to be pathogenic (PMID: 16134170).

Literature cited by the submitters: PubMed 16134170.